The following is an entry in ClinVar:

NM_001042492.3(NF1):c.4250C>T (p.Ala1417Val)

Gene: NF1 (neurofibromin 1; plus strand). Cytogenetic location: 17q11.2.
Variant type: single nucleotide variant.
Coding change: c.4250C>T on transcript NM_001042492.3 (MANE Select); coding-DNA position 4250, C replaced by T.
Protein change: p.Ala1417Val; replaces alanine 1417 with valine.
Molecular consequence: missense variant.
Genome position (GRCh38, 1-based): chr17:31,258,420, C>T. VCF-style: chr17-31258420-C-T. GRCh37 (hg19) VCF-style: chr17-29585438-C-T.
Other names: c.4187C>T, p.Ala1396Val (NM_000267.4); short protein forms A1396V, A1417V.
Identifiers: ClinVar variation 1738536 (VCV001738536.3), dbSNP rs2067622274, ClinGen allele CA398997898.
Genomic context (GRCh38, chr17:31,258,420, plus strand): 5'-TCCCTCAGAACAGCATCGGTGCAGTAGGAAGTGCCATGTTCCTCAGATTTATCAATCCTG[C>T]CATTGTCTCACCGTATGAAGCAGGGATTTTAGATAAAAAGCCACCACCTAGAATCGAAAG-3'
Protein context (NP_001035957.1, residues 1407-1427): SAMFLRFINP[Ala1417Val]IVSPYEAGIL

ClinVar aggregate classification (germline): Uncertain significance (1 of 4 stars; one submission).

Conditions:
Cardiovascular phenotype. Identifiers: MedGen CN230736.
Hereditary cancer-predisposing syndrome. Also called: Hereditary Cancer Syndrome; Hereditary neoplastic syndrome; Neoplastic Syndromes, Hereditary; Tumor predisposition. Identifiers: Orphanet 140162, MedGen C0027672, MeSH D009386, MONDO:0015356.

Submission:

Ambry Genetics
Classification: Uncertain significance for Cardiovascular phenotype; Hereditary cancer-predisposing syndrome. Last evaluated: 2026-07-24. Review status: criteria provided, single submitter. Criteria: Ambry Variant Classification Scheme 2023. Collection method: clinical testing. Allele origin: germline.
Comment: The p.A1396V variant (also known as c.4187C>T), located in coding exon 31 of the NF1 gene, results from a C to T substitution at nucleotide position 4187. The alanine at codon 1396 is replaced by valine, an amino acid with similar properties. This amino acid position is highly conserved in available vertebrate species. In addition, this alteration is predicted to be deleterious by in silico analysis. Based on the available evidence, the clinical significance of this variant remains unclear.